The following is an entry in ClinVar:

NM_003151.4(STAT4):c.427G>A (p.Val143Met)

Gene: STAT4 (signal transducer and activator of transcription 4; minus strand). Cytogenetic location: 2q32.2.
Variant type: single nucleotide variant.
Coding change: c.427G>A on transcript NM_003151.4 (MANE Select); coding-DNA position 427, G replaced by A.
Protein change: p.Val143Met; replaces valine 143 with methionine.
Molecular consequence: missense variant.
Genome position (GRCh38, 1-based): chr2:191,073,136, C>T on the plus strand (G>A on the coding strand, the complement: STAT4 is on the minus strand). VCF-style: chr2-191073136-C-T. GRCh37 (hg19) VCF-style: chr2-191937862-C-T.
Other names: c.427G>A, p.Val143Met (NM_001243835.2); short protein forms V143M.
Identifiers: ClinVar variation 2159761 (VCV002159761.4), dbSNP rs370819441, ClinGen allele CA2030886.

ClinVar aggregate classification (germline): Uncertain significance (1 of 4 stars; one submission).

Allele frequency attached by ClinVar (database versions not stated): TOPMed 0.00003; gnomAD 0.00005; ESP Exome Variant Server 0.00015.
gnomAD v4.1: 85 of 1,613,902 alleles (0.0053%); highest among the groups gnomAD compares: Non-Finnish European, 0.0061%; no homozygotes.

Submission:

Labcorp Genetics (formerly Invitae), Labcorp
Classification: Uncertain significance. Last evaluated: 2025-07-29. Review status: criteria provided, single submitter. Criteria: Invitae Variant Classification Sherloc (09022015). Collection method: clinical testing. Allele origin: germline.
Comment: This sequence change replaces valine, which is neutral and non-polar, with methionine, which is neutral and non-polar, at codon 143 of the STAT4 protein (p.Val143Met). This variant is present in population databases (rs370819441, gnomAD 0.005%). This variant has not been reported in the literature in individuals affected with STAT4-related conditions. ClinVar contains an entry for this variant (Variation ID: 2159761). Invitae Evidence Modeling of protein sequence and biophysical properties (such as structural, functional, and spatial information, amino acid conservation, physicochemical variation, residue mobility, and thermodynamic stability) indicates that this missense variant is not expected to disrupt STAT4 protein function with a negative predictive value of 80%. In summary, the available evidence is currently insufficient to determine the role of this variant in disease. Therefore, it has been classified as a Variant of Uncertain Significance.